The following is an entry in ClinVar:

ClinVar aggregate classification (germline): Uncertain significance (1 of 4 stars; one submission).

Conditions:
Hereditary cancer-predisposing syndrome. Also called: Tumor predisposition; Hereditary neoplastic syndrome; Neoplastic Syndromes, Hereditary; Hereditary Cancer Syndrome. Identifiers: Orphanet 140162, MedGen C0027672, MeSH D009386, MONDO:0015356.

Submission:

Ambry Genetics
Classification: Uncertain significance for Hereditary cancer-predisposing syndrome. Last evaluated: 2025-04-06. Review status: criteria provided, single submitter. Criteria: Ambry Variant Classification Scheme 2023. Collection method: clinical testing. Allele origin: germline.
Comment: The p.I1219L variant (also known as c.3655A>C), located in coding exon 20 of the DICER1 gene, results from an A to C substitution at nucleotide position 3655. The isoleucine at codon 1219 is replaced by leucine, an amino acid with highly similar properties. This amino acid position is conserved. In addition, the in silico prediction for this alteration is inconclusive. Based on the available evidence, the clinical significance of this variant remains unclear.

NM_177438.3(DICER1):c.3655A>C (p.Ile1219Leu)

Gene: DICER1 (dicer 1, ribonuclease III; minus strand). Cytogenetic location: 14q32.13.
Variant type: single nucleotide variant.
Coding change: c.3655A>C on transcript NM_177438.3 (MANE Select); coding-DNA position 3655, A replaced by C.
Protein change: p.Ile1219Leu; replaces isoleucine 1219 with leucine.
Molecular consequence: missense variant. On other transcripts: non-coding transcript variant (6).
Genome position (GRCh38, 1-based): chr14:95,103,741, T>G on the plus strand (A>C on the coding strand, the complement: DICER1 is on the minus strand). VCF-style: chr14-95103741-T-G. GRCh37 (hg19) VCF-style: chr14-95570078-T-G.
Other names: c.3250A>C, p.Ile1084Leu (NM_001395687.1, NM_001395688.1, NM_001395689.1 and 2 more transcripts); c.3655A>C, p.Ile1219Leu (NM_001395684.1, NM_001395692.1, NM_001395693.1 and 12 more transcripts); c.3088A>C, p.Ile1030Leu (NM_001395691.1); c.3373A>C, p.Ile1125Leu (NM_001395686.1); c.1972A>C, p.Ile658Leu (NM_001395697.1); short protein forms I1125L, I1030L, I1219L, I1084L, I658L.
Identifiers: ClinVar variation 4011616 (VCV004011616.1).